The following is an entry in ClinVar:

NM_004519.4(KCNQ3):c.1465+1G>T

Gene: KCNQ3 (potassium voltage-gated channel subfamily Q member 3; minus strand). Cytogenetic location: 8q24.22.
Variant type: single nucleotide variant.
Coding change: c.1465+1G>T on transcript NM_004519.4 (MANE Select); the canonical splice donor site of the intron after coding-DNA position 1465, G replaced by T.
Molecular consequence: splice donor variant.
Genome position (GRCh38, 1-based): chr8:132,141,128, C>A on the plus strand (G>T on the coding strand, the complement: KCNQ3 is on the minus strand). VCF-style: chr8-132141128-C-A. GRCh37 (hg19) VCF-style: chr8-133153375-C-A.
Other names: c.1105+1G>T (NM_001204824.2).
Identifiers: ClinVar variation 4527249 (VCV004527249.1).

ClinVar aggregate classification (germline): Uncertain significance (1 of 4 stars; one submission).

gnomAD v4.1: 1 of 1,613,950 alleles (0.000062%); highest among the groups gnomAD compares: Non-Finnish European, 0.000085%; no homozygotes.

Submission:

GeneDx
Classification: Uncertain significance. Last evaluated: 2025-04-25. Review status: criteria provided, single submitter. Criteria: GeneDx Variant Classification Process June 2021. Collection method: clinical testing. Allele origin: germline. Affected: yes.
Comment: Canonical splice site variant in a gene or region of a gene for which loss of function is not a well-established mechanism of disease; Not observed at significant frequency in large population cohorts (gnomAD); Has not been previously published as pathogenic or benign to our knowledge